The following is an entry in ClinVar:

NM_001042492.3(NF1):c.2032_2033delinsG (p.Pro678fs)

Gene: NF1 (neurofibromin 1; plus strand). Cytogenetic location: 17q11.2.
Variant type: Indel.
Coding change: c.2032_2033delinsG on transcript NM_001042492.3 (MANE Select); coding-DNA positions 2032 to 2033, CC replaced by G.
Protein change: p.Pro678fs; shifts the reading frame from proline 678.
Molecular consequence: frameshift variant.
Genome position (GRCh38, 1-based): chr17:31,226,465-31,226,466, CC replaced by G. VCF-style: chr17-31226465-CC-G. GRCh37 (hg19) VCF-style: chr17-29553483-CC-G.
Other names: c.2032_2033delinsG, p.Pro678fs (NM_000267.4); short protein forms P678fs.
Identifiers: ClinVar variation 4720444 (VCV004720444.1).

ClinVar aggregate classification (germline): Pathogenic (1 of 4 stars; one submission).

Conditions:
Neurofibromatosis, type 1 (NF1). Also called: NEUROFIBROMATOSIS, TYPE I, SOMATIC; VON RECKLINGHAUSEN DISEASE; Peripheral type neurofibromatosis; Neurofibromatosis, type I. Identifiers: Orphanet 636, MedGen C0027831, MONDO:0018975, OMIM 162200. Disease mechanism: loss of function.

Submission:

Labcorp Genetics (formerly Invitae), Labcorp
Classification: Pathogenic for Neurofibromatosis, type 1. Last evaluated: 2025-05-29. Review status: criteria provided, single submitter. Criteria: Invitae Variant Classification Sherloc (09022015). Collection method: clinical testing. Allele origin: germline.
Comment: This sequence change creates a premature translational stop signal (p.Pro678Glyfs*10) in the NF1 gene. It is expected to result in an absent or disrupted protein product. Loss-of-function variants in NF1 are known to be pathogenic (PMID: 10712197, 23913538). This variant is not present in population databases (gnomAD no frequency). This variant has not been reported in the literature in individuals affected with NF1-related conditions. For these reasons, this variant has been classified as Pathogenic.

Literature cited by the submitters: PubMed 10712197; PubMed 23913538.